The following is an entry in ClinVar:

ClinVar aggregate classification (germline): Uncertain significance (1 of 4 stars; one submission).

Conditions:
Severe myoclonic epilepsy in infancy (DRVT). Also called: SEVERE MYOCLONIC EPILEPSY OF INFANCY; DEVELOPMENTAL AND EPILEPTIC ENCEPHALOPATHY 6A; Severe Myoclonic Epilepsy in Infancy (SMEI); Dravet syndrome; Epileptic encephalopathy, early infantile, 6 (Dravet syndrome). Identifiers: Orphanet 33069, MedGen C0751122, MONDO:0100135, OMIM 607208.

Submission:

Labcorp Genetics (formerly Invitae), Labcorp
Classification: Uncertain significance for Severe myoclonic epilepsy in infancy. Last evaluated: 2022-01-02. Review status: criteria provided, single submitter. Criteria: Invitae Variant Classification Sherloc (09022015). Collection method: clinical testing. Allele origin: germline.
Comment: In summary, the available evidence is currently insufficient to determine the role of this variant in disease. Therefore, it has been classified as a Variant of Uncertain Significance. Algorithms developed to predict the effect of missense changes on protein structure and function are either unavailable or do not agree on the potential impact of this missense change (SIFT: "Deleterious"; PolyPhen-2: "Benign"; Align-GVGD: "Class C0"). This variant has not been reported in the literature in individuals affected with SNX27-related conditions. This variant is not present in population databases (gnomAD no frequency). This sequence change replaces glycine, which is neutral and non-polar, with arginine, which is basic and polar, at codon 24 of the SNX27 protein (p.Gly24Arg).

NM_001330723.2(SNX27):c.70G>C (p.Gly24Arg)

Genes: SNX27 (sorting nexin 27; plus strand), LOC129931442 (ATAC-STARR-seq lymphoblastoid silent region 1324; plus strand). Cytogenetic location: 1q21.3.
Variant type: single nucleotide variant.
Coding change: c.70G>C on transcript NM_001330723.2 (MANE Select); coding-DNA position 70, G replaced by C.
Protein change: p.Gly24Arg; replaces glycine 24 with arginine.
Molecular consequence: missense variant.
Genome position (GRCh38, 1-based): chr1:151,612,271, G>C. VCF-style: chr1-151612271-G-C. GRCh37 (hg19) VCF-style: chr1-151584747-G-C.
Other names: c.70G>C, p.Gly24Arg (NM_030918.6); short protein forms G24R.
Identifiers: ClinVar variation 2070220 (VCV002070220.4), dbSNP rs1054736706, ClinGen allele CA341973684.